The following is an entry in ClinVar:

ClinVar aggregate classification (germline): Pathogenic (1 of 4 stars; one submission).

Conditions:
Alstrom syndrome (ALMS). Identifiers: Orphanet 64, MedGen C0268425, MONDO:0008763, OMIM 203800.

Submission:

Labcorp Genetics (formerly Invitae), Labcorp
Classification: Pathogenic for Alstrom syndrome. Last evaluated: 2022-07-26. Review status: criteria provided, single submitter. Criteria: Invitae Variant Classification Sherloc (09022015). Collection method: clinical testing. Allele origin: germline.
Comment: This sequence change creates a premature translational stop signal (p.Leu2925Serfs*2) in the ALMS1 gene. It is expected to result in an absent or disrupted protein product. Loss-of-function variants in ALMS1 are known to be pathogenic (PMID: 17594715). This variant is not present in population databases (gnomAD no frequency). This variant has not been reported in the literature in individuals affected with ALMS1-related conditions. ClinVar contains an entry for this variant (Variation ID: 1431315). For these reasons, this variant has been classified as Pathogenic.

Literature cited by the submitters: PubMed 17594715.

NM_001378454.1(ALMS1):c.8769dup (p.Leu2924fs)

Gene: ALMS1 (ALMS1 centrosome and basal body associated protein; plus strand). Cytogenetic location: 2p13.1.
Variant type: Duplication.
Coding change: c.8769dup on transcript NM_001378454.1 (MANE Select); coding-DNA position 8769, one base duplicated (T; older notation c.8769dupT).
Protein change: p.Leu2924fs; shifts the reading frame from leucine 2924.
Molecular consequence: frameshift variant.
Genome position (GRCh38, 1-based): chr2:73,490,728, T duplicated; the last of 5 consecutive T bases (chr2:73,490,724-73,490,728); duplicating any one gives the same sequence. VCF-style (leftmost placement, unchanged base first): chr2-73490723-A-AT. GRCh37 (hg19) VCF-style: chr2-73717850-A-AT.
Other names: c.8772dup, p.Leu2925fs (NM_015120.4); short protein forms L2924fs, L2925fs.
Identifiers: ClinVar variation 1431315 (VCV001431315.6), dbSNP rs2103893216, ClinGen allele CA2573135776.